The following is an entry in ClinVar:

NM_175914.5(HNF4A):c.439G>A (p.Val147Ile)

Gene: HNF4A (hepatocyte nuclear factor 4 alpha; plus strand). Cytogenetic location: 20q13.12.
Variant type: single nucleotide variant.
Coding change: c.439G>A on transcript NM_175914.5 (MANE Select); coding-DNA position 439, G replaced by A.
Protein change: p.Val147Ile; replaces valine 147 with isoleucine.
Molecular consequence: missense variant.
Genome position (GRCh38, 1-based): chr20:44,414,519, G>A. VCF-style: chr20-44414519-G-A. GRCh37 (hg19) VCF-style: chr20-43043159-G-A.
Other names: c.505G>A, p.Val169Ile (NM_000457.6, NM_178849.3, NM_178850.3); c.439G>A, p.Val147Ile (NM_001030003.3, NM_001030004.3); c.484G>A, p.Val162Ile (NM_001258355.2); c.430G>A, p.Val144Ile (NM_001287182.2, NM_001287183.2, NM_001287184.2); short protein forms V147I, V169I, V144I, V162I.
Identifiers: ClinVar variation 36353 (VCV000036353.49), dbSNP rs142204928, ClinGen allele CA213951.

ClinVar aggregate classification (germline): Conflicting classifications of pathogenicity. Review status: criteria provided, conflicting classifications (1 of 4 stars). 13 submissions from 12 submitters: Uncertain significance (1); Benign (5); Likely benign (3). 4 of the submissions do not count toward it. Last evaluated 2026-07-01.

Conditions:
Maturity-onset diabetes of the young (MODY). Also called: Maturity onset diabetes mellitus in young. Identifiers: Orphanet 552, MedGen C0342276, MONDO:0018911, HP:0004904.
Familial hyperinsulinism. Also called: Congenital hyperinsulinism. Identifiers: Orphanet 276525, MedGen C3888018, MONDO:0017182. Disease mechanism: loss of function.
Maturity-onset diabetes of the young type 1. Also called: MODY, type I; HNF4A-Related Maturity-Onset Diabetes of the Young Type 1; MILD JUVENILE DIABETES MELLITUS; MODY type 1; Diabetes mellitus MODY type 1; MODY HNF4A related. Identifiers: Orphanet 552, MedGen C1852093, MONDO:0007452, OMIM 125850. Disease mechanism: loss of function.
Type 2 diabetes mellitus. Also called: Type II diabetes mellitus. Identifiers: MedGen C0011860, MeSH D003924, MONDO:0005148, OMIM 125853, HP:0005978.

Allele frequency attached by ClinVar (database versions not stated): 1000 Genomes Project 0.00599; gnomAD 0.00025 and 0.00073; gnomAD exomes 0.00201; 1000 Genomes Project 30x 0.00500; ESP Exome Variant Server 0.00015; TOPMed 0.00037; ExAC 0.00234.
gnomAD v4.1: 1,548 of 1,614,194 alleles (0.096%); highest among the groups gnomAD compares: South Asian, 1.2%; 20 homozygotes.

Submissions (13):

CeGaT Center for Human Genetics Tuebingen
Classification: Benign. Last evaluated: 2026-07-01. Review status: criteria provided, single submitter. Criteria: CeGaT Center For Human Genetics Tuebingen Variant Classification Criteria Version 2. Collection method: clinical testing. Allele origin: germline. Affected: yes. Observed: 3 variant alleles.
Comment: HNF4A: BP4, BS1, BS2

Labcorp Genetics (formerly Invitae), Labcorp
Classification: Benign. Last evaluated: 2026-01-08. Review status: criteria provided, single submitter. Criteria: Invitae Variant Classification Sherloc (09022015). Collection method: clinical testing. Allele origin: germline.

Ambry Genetics
Classification: Benign for Maturity-onset diabetes of the young. Last evaluated: 2021-04-27. Review status: criteria provided, single submitter. Criteria: Ambry Variant Classification Scheme 2023. Collection method: clinical testing. Allele origin: germline.

GeneDx
Classification: Benign. Last evaluated: 2020-02-13. Review status: criteria provided, single submitter. Criteria: GeneDx Variant Classification Process June 2021. Collection method: clinical testing. Allele origin: germline. Affected: yes.
Comment: This variant is associated with the following publications: (PMID: 32621647, 31216263, 25041077, 27080136, 27535533, 27810688, 15281001, 24097065)

Illumina Laboratory Services, Illumina
Classification: Likely benign for Familial hyperinsulinism. Last evaluated: 2017-04-27. Review status: criteria provided, single submitter. Criteria: ICSL Variant Classification Criteria 13 December 2019. Collection method: clinical testing. Allele origin: germline.
Comment: This variant was observed as part of a predisposition screen in an ostensibly healthy population. A literature search was performed for the gene, cDNA change, and amino acid change (where applicable). No publications were found based on this search. Allele frequency data from public databases allowed determination this variant is unlikely to cause disease. Therefore, this variant is classified as likely benign.

Illumina Laboratory Services, Illumina
Classification: Likely benign for Maturity-onset diabetes of the young type 1. Last evaluated: 2017-04-27. Review status: criteria provided, single submitter. Criteria: ICSL Variant Classification Criteria 13 December 2019. Collection method: clinical testing. Allele origin: germline.
Comment: This variant was observed as part of a predisposition screen in an ostensibly healthy population. A literature search was performed for the gene, cDNA change, and amino acid change (where applicable). Publications were found based on this search. The evidence from the literature, in combination with allele frequency data from public databases where available, was sufficient to determine this variant is unlikely to cause disease. Therefore, this variant is classified as likely benign.

Athena Diagnostics
Classification: Benign. Last evaluated: 2016-11-14. Review status: criteria provided, single submitter. Criteria: Athena Diagnostics Criteria. Collection method: clinical testing. Allele origin: germline.

Soonchunhyang University Bucheon Hospital, Soonchunhyang University Medical Center
Classification: Uncertain significance for Type 2 diabetes mellitus. Last evaluated: 2016-03-18. Review status: criteria provided, single submitter. Criteria: ACMG Guidelines, 2015. Collection method: reference population. Allele origin: germline. Observed: 1 variant allele.

Broad Center for Mendelian Genomics, Broad Institute of MIT and Harvard
Classification: Likely benign for Type 2 diabetes mellitus. Review status: criteria provided, single submitter. Criteria: ACMG Guidelines, 2015. Collection method: research. Allele origin: germline. Inheritance: Autosomal dominant inheritance. Affected: yes.
Comment: The heterozygous p.Val147Ile variant in HNF4A has been identified in 3 Philippino siblings from 1 family with maturity onset diabetes of the young and 2 individuals without diabetes mellitus (PMID: 15281001, 24097065), but has also been identified in >1% of South Asian chromosomes and 4 homozygotes by ExAC. Please note that individuals in ExAC may have type II diabetes. In summary, although additional studies are required to fully establish its clinical significance, this variant meets criteria to be classified as likely benign for autosomal dominant diabetes mellitus type 2.

Genetic Services Laboratory, University of Chicago
Classification: Benign. Last evaluated: 2019-05-02. Review status: no assertion criteria provided. Collection method: clinical testing. Allele origin: germline. Affected: yes. Not counted in ClinVar's aggregate classification.

Women's Health and Genetics/Laboratory Corporation of America, LabCorp
No classification provided. Condition: Maturity-onset diabetes of the young, type 1. Last evaluated: 2015-10-02. Review status: no classification provided. Collection method: clinical testing. Allele origin: germline. Not counted in ClinVar's aggregate classification.

Genome Diagnostics Laboratory, University Medical Center Utrecht
Classification: Benign. Review status: no assertion criteria provided. Collection method: clinical testing. Allele origin: germline. Affected: yes. Study: VKGL Data-share Consensus. Not counted in ClinVar's aggregate classification.

Laboratory of Diagnostic Genome Analysis, Leiden University Medical Center (LUMC)
Classification: Likely benign. Review status: no assertion criteria provided. Collection method: clinical testing. Allele origin: germline. Affected: yes. Study: VKGL Data-share Consensus. Not counted in ClinVar's aggregate classification.

Literature cited by the submitters: PubMed 15281001 (cited by 4 submitters); PubMed 25041077 (cited by Athena Diagnostics); PubMed 27420379 (cited by Athena Diagnostics); PubMed 27080136 (cited by Athena Diagnostics); PubMed 24097065 (cited by Broad Center for Mendelian Genomics, Broad Institute of MIT and Harvard).